The following is an entry in ClinVar:

NM_000018.4(ACADVL):c.1839G>A (p.Arg613=)

Gene: ACADVL (acyl-CoA dehydrogenase very long chain; plus strand). Cytogenetic location: 17p13.1.
Variant type: single nucleotide variant.
Coding change: c.1839G>A on transcript NM_000018.4 (MANE Select); coding-DNA position 1839, G replaced by A.
Protein change: p.Arg613=; no amino-acid change (arginine 613 retained).
Molecular consequence: synonymous variant.
Genome position (GRCh38, 1-based): chr17:7,224,968, G>A. VCF-style: chr17-7224968-G-A. GRCh37 (hg19) VCF-style: chr17-7128287-G-A.
Other names: NM_000018.4(ACADVL):c.1839G>A; p.Arg613=; c.1773G>A, p.Arg591= (NM_001033859.3); c.1908G>A, p.Arg636= (NM_001270447.2); c.1611G>A, p.Arg537= (NM_001270448.2).
Identifiers: ClinVar variation 254698 (VCV000254698.37), dbSNP rs79125791, ClinGen allele CA8338296.
Genomic context (GRCh38, chr17:7,224,968, plus strand): 5'-CAGGTGAGGGCTGGAGGTGCAGGCCCAACCCCTCCTTCCCTCTCCCCAGGCTGCAGCTCG[G>A]ATCCGAGAGGGCATGGCCGCCCTGCAGTCTGACCCCTGGCAGCAAGAGCTCTACCGCAAC-3'
Protein context (NP_000009.1, residues 603-623): CDTWCIEAAA[Arg613=]IREGMAALQS

ClinVar aggregate classification (germline): Likely benign. Review status: reviewed by expert panel (3 of 4 stars). 11 submissions from 11 submitters: Likely benign (1). 10 of the submissions do not count toward it. Last evaluated 2025-04-22.

Conditions:
Inborn genetic diseases. Identifiers: MedGen C0950123, MeSH D030342.
ACADVL-related disorder. Also called: ACADVL-related condition.
Very long chain acyl-CoA dehydrogenase deficiency (ACADVLD). Also called: VLCAD Deficiency; Very Long-Chain Acyl-Coenzyme A Dehydrogenase Deficiency. Identifiers: Orphanet 26793, MedGen C3887523, MONDO:0008723, OMIM 201475.

Allele frequency attached by ClinVar (database versions not stated): gnomAD exomes 0.00025 and 0.00057; ExAC 0.00068; 1000 Genomes Project 30x 0.00219; 1000 Genomes Project 0.00220; gnomAD 0.00234 and 0.00254; ESP Exome Variant Server 0.00254; TOPMed 0.00256.
gnomAD v4.1: 728 of 1,614,102 alleles (0.045%); highest among the groups gnomAD compares: African/African-American, 0.82%; 2 homozygotes.

Submissions (11):

ClinGen ACADVL Variant Curation Expert Panel, ClinGen
Classification: Likely benign for Very long chain acyl-CoA dehydrogenase deficiency. Last evaluated: 2025-04-22. Review status: reviewed by expert panel. Criteria: clingen acadvl acmg specifications v1. Collection method: curation. Allele origin: germline. Inheritance: Autosomal recessive inheritance.
Comment: The c.1839G>A p.(Arg613=) variant is a synonymous (silent) variant that is not predicted by SpliceAI to impact splicing. In addition, it occurs at a nucleotide that is not conserved as shown by PhyloP100way (conservation score: 0.95) (BP4, BP7). The highest population minor allele frequency in gnomAD v2.1.1 is 0.008134 in African/African American population, which is lower than the ClinGen ACADVL Variant Curation Expert Panel threshold (<0.001) for PM2_Supporting; however, this is not considered conflicting evidence with BP4 and BP7. To our knowledge, this variant has not been reported in the literature in any individuals with autosomal recessive very long chain acyl-CoA dehydrogenase (VLCAD) deficiency. In summary, this variant meets the criteria to be classified as likely benign for autosomal recessive very long chain acyl-CoA dehydrogenase (VLCAD) deficiency based on the ACMG/AMP criteria applied, as specified by the ClinGen ACADVL Variant Curation Expert Panel: BP4, BP7, PM2_Supporting (ACADVL VCEP specifications version 1; approved November 9, 2021).

Labcorp Genetics (formerly Invitae), Labcorp
Classification: Benign for Very long chain acyl-CoA dehydrogenase deficiency. Last evaluated: 2026-02-04. Review status: criteria provided, single submitter. Criteria: Invitae Variant Classification Sherloc (09022015). Collection method: clinical testing. Allele origin: germline. Not counted in ClinVar's aggregate classification.

Mayo Clinic Laboratories, Mayo Clinic
Classification: Likely benign. Last evaluated: 2025-11-12. Review status: criteria provided, single submitter. Criteria: ACMG Guidelines, 2015. Collection method: clinical testing. Allele origin: germline. Observed: 8 variant alleles. Not counted in ClinVar's aggregate classification.
Comment: BS1, BP4, BP7

Illumina Laboratory Services, Illumina
Classification: Benign for Very long chain acyl-CoA dehydrogenase deficiency. Last evaluated: 2025-04-08. Review status: criteria provided, single submitter. Criteria: ICSLVariantClassificationCriteria RUGD 01 April 2020. Collection method: clinical testing. Allele origin: unknown. Not counted in ClinVar's aggregate classification.

Blueprint Genetics
Classification: Likely benign. Last evaluated: 2024-08-26. Review status: criteria provided, single submitter. Criteria: ACMG Guidelines, 2015. Collection method: clinical testing. Allele origin: germline. Not counted in ClinVar's aggregate classification.

Ambry Genetics
Classification: Likely benign for Inborn genetic diseases. Last evaluated: 2023-11-06. Review status: criteria provided, single submitter. Criteria: Ambry Variant Classification Scheme 2023. Collection method: clinical testing. Allele origin: germline. Not counted in ClinVar's aggregate classification.

ARUP Laboratories, Molecular Genetics and Genomics, ARUP Laboratories
Classification: Likely benign for Very long chain acyl-CoA dehydrogenase deficiency. Last evaluated: 2021-09-03. Review status: criteria provided, single submitter. Criteria: ARUP Molecular Germline Variant Investigation Process 2021. Collection method: clinical testing. Allele origin: germline. Not counted in ClinVar's aggregate classification.

GeneDx
Classification: Likely benign. Last evaluated: 2020-10-21. Review status: criteria provided, single submitter. Criteria: GeneDx Variant Classification Process June 2021. Collection method: clinical testing. Allele origin: germline. Affected: yes. Not counted in ClinVar's aggregate classification.

Eurofins Ntd Llc (ga)
Classification: Likely benign. Last evaluated: 2017-08-17. Review status: criteria provided, single submitter. Criteria: EGL Classification Definitions 2015. Collection method: clinical testing. Allele origin: germline. Observed: 2 variant alleles, 2 heterozygotes. Not counted in ClinVar's aggregate classification.

PreventionGenetics, part of Exact Sciences
Classification: Benign for ACADVL-related condition. Last evaluated: 2020-01-14. Review status: no assertion criteria provided. Collection method: clinical testing. Allele origin: germline. Not counted in ClinVar's aggregate classification.
Comment: This variant is classified as benign based on ACMG/AMP sequence variant interpretation guidelines (Richards et al. 2015 PMID: 25741868, with internal and published modifications).

Natera, Inc.
Classification: Likely benign for Very long chain acyl-CoA dehydrogenase deficiency. Last evaluated: 2019-10-22. Review status: no assertion criteria provided. Collection method: clinical testing. Allele origin: germline. Not counted in ClinVar's aggregate classification.